The following is an entry in ClinVar:

ClinVar aggregate classification (germline): Conflicting classifications of pathogenicity. Review status: criteria provided, conflicting classifications (1 of 4 stars). 6 submissions from 6 submitters: Uncertain significance (5); Likely benign (1). Last evaluated 2026-05-27.

Conditions:
KIT-related disorder. Also called: KIT-related condition.
Hereditary cancer-predisposing syndrome. Also called: Tumor predisposition; Hereditary neoplastic syndrome; Neoplastic Syndromes, Hereditary; Hereditary Cancer Syndrome. Identifiers: Orphanet 140162, MedGen C0027672, MeSH D009386, MONDO:0015356.
Gastrointestinal stromal tumor. Also called: Gastrointestinal stromal tumor, somatic; Gastrointestinal stroma tumor. Identifiers: Orphanet 44890, MedGen C0238198, MeSH D046152, MONDO:0011719, OMIM 606764, HP:0100723.

Allele frequency attached by ClinVar (database versions not stated): ExAC 0.00002; gnomAD exomes 0.00002.
gnomAD v4.1: 15 of 1,613,990 alleles (0.00093%); highest among the groups gnomAD compares: South Asian, 0.0011%; no homozygotes.

Submissions (6):

Myriad Genetics, Inc.
Classification: Likely benign for Gastrointestinal stromal tumor. Last evaluated: 2026-05-27. Review status: criteria provided, single submitter. Criteria: Myriad Autosomal Dominant, Autosomal Recessive and X-Linked Classification Criteria (2023). Collection method: clinical testing. Allele origin: unknown.
Comment: This variant is considered likely benign. This variant has been observed at a population frequency that is significantly greater than expected given the associated disease prevalence and penetrance.

Ambry Genetics
Classification: Uncertain significance for Hereditary cancer-predisposing syndrome. Last evaluated: 2026-04-06. Review status: criteria provided, single submitter. Criteria: Ambry Variant Classification Scheme 2023. Collection method: clinical testing. Allele origin: germline.

Labcorp Genetics (formerly Invitae), Labcorp
Classification: Uncertain significance for Gastrointestinal stromal tumor. Last evaluated: 2026-01-16. Review status: criteria provided, single submitter. Criteria: Invitae Variant Classification Sherloc (09022015). Collection method: clinical testing. Allele origin: germline.
Comment: This sequence change replaces isoleucine, which is neutral and non-polar, with lysine, which is basic and polar, at codon 563 of the KIT protein (p.Ile563Lys). This variant is present in population databases (rs780708976, gnomAD 0.004%). This variant has not been reported in the literature in individuals affected with KIT-related conditions. ClinVar contains an entry for this variant (Variation ID: 458886). An algorithm developed to predict the effect of missense changes on protein structure and function (PolyPhen-2) suggests that this variant is likely to be tolerated. In summary, the available evidence is currently insufficient to determine the role of this variant in disease. Therefore, it has been classified as a Variant of Uncertain Significance.

PreventionGenetics, part of Exact Sciences
Classification: Uncertain significance for KIT-related condition. Last evaluated: 2025-08-01. Review status: criteria provided, single submitter. Criteria: ACMG Guidelines, 2015. Collection method: clinical testing. Allele origin: germline.
Comment: The KIT c.1688T>A variant is predicted to result in the amino acid substitution p.Ile563Lys. This variant has been reported as a somatic variant in a patient with leukemia (Hussain et al. 2012. PubMed ID: 24744618). It has also been identified in xenograft from an individual affected with melanoma and was classified as uncertain (Garman et al. 2017. PubMed ID: 29141224). This variant is reported in 0.0035% of alleles in individuals of European (Non-Finnish) descent in gnomAD and is interpreted as uncertain in ClinVar (Variation ID: 458886). This variant change resides within the tyrosine-protein kinase, CSF-1/PDGF receptor domain. At this time, the clinical significance of this variant is uncertain due to the absence of conclusive functional and genetic evidence.

GeneDx
Classification: Uncertain significance. Last evaluated: 2024-01-22. Review status: criteria provided, single submitter. Criteria: GeneDx Variant Classification Process June 2021. Collection method: clinical testing. Allele origin: germline. Affected: yes.
Comment: Not observed at significant frequency in large population cohorts (gnomAD); In silico analysis supports that this missense variant has a deleterious effect on protein structure/function; Has not been previously published as pathogenic or benign to our knowledge

Baylor Genetics
Classification: Uncertain significance for Gastrointestinal stromal tumor. Last evaluated: 2023-11-26. Review status: criteria provided, single submitter. Criteria: ACMG Guidelines, 2015. Collection method: clinical testing. Allele origin: unknown.

NM_000222.3(KIT):c.1688T>A (p.Ile563Lys)

Gene: KIT (KIT proto-oncogene, receptor tyrosine kinase; plus strand). Cytogenetic location: 4q12.
Variant type: single nucleotide variant.
Coding change: c.1688T>A on transcript NM_000222.3 (MANE Select); coding-DNA position 1688, T replaced by A.
Protein change: p.Ile563Lys; replaces isoleucine 563 with lysine.
Molecular consequence: missense variant.
Genome position (GRCh38, 1-based): chr4:54,727,456, T>A. VCF-style: chr4-54727456-T-A. GRCh37 (hg19) VCF-style: chr4-55593622-T-A.
Other names: c.1676T>A, p.Ile559Lys (NM_001093772.2, NM_001385286.1); c.1691T>A, p.Ile564Lys (NM_001385284.1, NM_001385290.1); c.1688T>A, p.Ile563Lys (NM_001385285.1); c.1679T>A, p.Ile560Lys (NM_001385288.1, NM_001385292.1); short protein forms I563K, I559K, I560K, I564K.
Identifiers: ClinVar variation 458886 (VCV000458886.19), dbSNP rs780708976, ClinGen allele CA2923559.